The following is an entry in ClinVar:

ClinVar aggregate classification (germline): Pathogenic. Review status: no assertion criteria provided (0 of 4 stars). 2 submissions from 2 submitters: Pathogenic (2). Last evaluated 2021-04-14.

Conditions:
Hearing loss, autosomal dominant 80. Also called: DEAFNESS, AUTOSOMAL DOMINANT 80. Identifiers: MedGen C5543289, MONDO:0030998, OMIM 619274.
Inner ear malformation. Identifiers: MedGen C4231418.

Submissions (2):

OMIM
Classification: Pathogenic for DEAFNESS, AUTOSOMAL DOMINANT 80. Last evaluated: 2021-04-14. Review status: no assertion criteria provided. Collection method: literature only. Allele origin: germline.

Center for Statistical Genetics, Columbia University
Classification: Pathogenic for Inner ear Malformation. Last evaluated: 2017-11-25. Review status: no assertion criteria provided. Collection method: research. Allele origin: de novo. Inheritance: Autosomal dominant inheritance. Affected: yes. Observed: 1 variant allele, 1 heterozygote.
Comment: de novo mutation

Literature cited by the submitters: PubMed 29955957 (cited by OMIM).

NM_001142966.3(GREB1L):c.4368G>T (p.Gln1456His)

Gene: GREB1L (GREB1 like retinoic acid receptor coactivator; plus strand). Cytogenetic location: 18q11.2.
Variant type: single nucleotide variant.
Coding change: c.4368G>T on transcript NM_001142966.3 (MANE Select); coding-DNA position 4368, G replaced by T.
Protein change: p.Gln1456His; replaces glutamine 1456 with histidine.
Molecular consequence: missense variant.
Genome position (GRCh38, 1-based): chr18:21,505,949, G>T. VCF-style: chr18-21505949-G-T. GRCh37 (hg19) VCF-style: chr18-19085910-G-T.
Other names: G-T, NT4368; short protein forms Q1456H.
Identifiers: ClinVar variation 446527 (VCV000446527.4), dbSNP rs1555661490, ClinGen allele CA401756358.